The following is an entry in ClinVar:

ClinVar aggregate classification (germline): Uncertain significance (1 of 4 stars; one submission).

Allele frequency attached by ClinVar (database versions not stated): gnomAD exomes below 0.00001 and 0.00002; TOPMed below 0.00001; ExAC 0.00001; gnomAD 0.00001.
gnomAD v4.1: 26 of 1,600,754 alleles (0.0016%); highest among the groups gnomAD compares: East Asian, 0.0067%; no homozygotes.

Submission:

Labcorp Genetics (formerly Invitae), Labcorp
Classification: Uncertain significance. Last evaluated: 2022-07-12. Review status: criteria provided, single submitter. Criteria: Invitae Variant Classification Sherloc (09022015). Collection method: clinical testing. Allele origin: germline.
Comment: In summary, the available evidence is currently insufficient to determine the role of this variant in disease. Therefore, it has been classified as a Variant of Uncertain Significance. This sequence change replaces arginine, which is basic and polar, with glutamine, which is neutral and polar, at codon 113 of the ADGRA3 protein (p.Arg113Gln). This variant is present in population databases (rs776366061, gnomAD 0.0009%). This variant has not been reported in the literature in individuals affected with ADGRA3-related conditions. ClinVar contains an entry for this variant (Variation ID: 1496094). Algorithms developed to predict the effect of missense changes on protein structure and function (SIFT, PolyPhen-2, Align-GVGD) all suggest that this variant is likely to be tolerated.

NM_145290.4(ADGRA3):c.338G>A (p.Arg113Gln)

Gene: ADGRA3 (adhesion G protein-coupled receptor A3; minus strand). Cytogenetic location: 4p15.2.
Variant type: single nucleotide variant.
Coding change: c.338G>A on transcript NM_145290.4 (MANE Select); coding-DNA position 338, G replaced by A.
Protein change: p.Arg113Gln; replaces arginine 113 with glutamine.
Molecular consequence: missense variant.
Genome position (GRCh38, 1-based): chr4:22,461,800, C>T on the plus strand (G>A on the coding strand, the complement: ADGRA3 is on the minus strand). VCF-style: chr4-22461800-C-T. GRCh37 (hg19) VCF-style: chr4-22463423-C-T.
Other names: short protein forms R113Q.
Identifiers: ClinVar variation 1496094 (VCV001496094.6), dbSNP rs776366061, ClinGen allele CA2874295.
Genomic context (GRCh38, chr4:22,461,800, plus strand): 5'-CTTTTTAGAGATGACAGTCCCCAGAAGGCACCTGGATCTATACTACTAATAAGATTGTTT[C>T]GGAGGTCCCTGTTAAAAATAAAATAAAAGTTATTCACATATCAACACTGCAACAAGTATT-3'
Protein context (NP_660333.2, residues 103-123): GLSLLERLDL[Arg113Gln]NNLISSIDPG